The following is an entry in ClinVar:

NM_017646.6(TRIT1):c.131G>C (p.Gly44Ala)

Genes: MYCL-AS1 (MYCL antisense RNA 1; plus strand), TRIT1 (tRNA isopentenyltransferase 1; minus strand). Cytogenetic location: 1p34.2.
Variant type: single nucleotide variant.
Coding change: c.131G>C on transcript NM_017646.6 (MANE Select); coding-DNA position 131, G replaced by C.
Protein change: p.Gly44Ala; replaces glycine 44 with alanine.
Molecular consequence: missense variant. On other transcripts: non-coding transcript variant (1).
Genome position (GRCh38, 1-based): chr1:39,883,361, C>G on the plus strand (G>C on the coding strand, the complement: TRIT1 is on the minus strand). VCF-style: chr1-39883361-C-G. GRCh37 (hg19) VCF-style: chr1-40349033-C-G.
Other names: c.131G>C, p.Gly44Ala (NM_001312691.2, NM_001312692.2); short protein forms G44A.
Identifiers: ClinVar variation 1304671 (VCV001304671.2), dbSNP rs2124702371, ClinGen allele CA339842296.

ClinVar aggregate classification (germline): Uncertain significance (1 of 4 stars; one submission).

Allele frequency attached by ClinVar (database versions not stated): gnomAD exomes below 0.00001.
gnomAD v4.1: 2 of 1,612,802 alleles (0.00012%); highest among the groups gnomAD compares: Non-Finnish European, 0.000085%; no homozygotes.

Submission:

GeneDx
Classification: Uncertain significance. Last evaluated: 2019-06-18. Review status: criteria provided, single submitter. Criteria: GeneDx Variant Classification Process June 2021. Collection method: clinical testing. Allele origin: germline. Affected: yes.
Comment: Not observed [at a significant frequency] in large population cohorts (Lek et al., 2016); In silico analysis, which includes protein predictors and evolutionary conservation, supports that this variant does not alter protein structure/function; Has not been previously published as pathogenic or benign to our knowledge